The following is an entry in ClinVar:

ClinVar aggregate classification (germline): Uncertain significance (1 of 4 stars; one submission).

Conditions:
Cardiovascular phenotype. Identifiers: MedGen CN230736.

Allele frequency attached by ClinVar (database versions not stated): TOPMed below 0.00001; gnomAD 0.00001.
gnomAD v4.1: 1 of 1,613,884 alleles (0.000062%); highest among the groups gnomAD compares: African/African-American, 0.0013%; no homozygotes.

Submission:

Ambry Genetics
Classification: Uncertain significance for Cardiovascular phenotype. Last evaluated: 2023-08-25. Review status: criteria provided, single submitter. Criteria: Ambry Variant Classification Scheme 2023. Collection method: clinical testing. Allele origin: germline.
Comment: The p.F3717Y variant (also known as c.11150T>A), located in coding exon 16 of the ALMS1 gene, results from a T to A substitution at nucleotide position 11150. The phenylalanine at codon 3717 is replaced by tyrosine, an amino acid with highly similar properties. This amino acid position is well conserved in available vertebrate species. In addition, this alteration is predicted to be tolerated by in silico analysis. Since supporting evidence is limited at this time, the clinical significance of this alteration remains unclear.

NM_001378454.1(ALMS1):c.11147T>A (p.Phe3716Tyr)

Gene: ALMS1 (ALMS1 centrosome and basal body associated protein; plus strand). Cytogenetic location: 2p13.1.
Variant type: single nucleotide variant.
Coding change: c.11147T>A on transcript NM_001378454.1 (MANE Select); coding-DNA position 11147, T replaced by A.
Protein change: p.Phe3716Tyr; replaces phenylalanine 3716 with tyrosine.
Molecular consequence: missense variant.
Genome position (GRCh38, 1-based): chr2:73,573,024, T>A. VCF-style: chr2-73573024-T-A. GRCh37 (hg19) VCF-style: chr2-73800151-T-A.
Other names: c.11150T>A, p.Phe3717Tyr (NM_015120.4); short protein forms F3717Y, F3716Y.
Identifiers: ClinVar variation 2626203 (VCV002626203.2), dbSNP rs1294287091, ClinGen allele CA347287572.